The following is an entry in ClinVar:

ClinVar aggregate classification (germline): Likely benign (1 of 4 stars; one submission).

Allele frequency attached by ClinVar (database versions not stated): TOPMed 0.00014; gnomAD 0.00036; ExAC 0.00100; 1000 Genomes Project 30x 0.00187; 1000 Genomes Project 0.00200.
gnomAD v4.1: 709 of 1,613,472 alleles (0.044%); highest among the groups gnomAD compares: South Asian, 0.68%; 9 homozygotes.

Submission:

CeGaT Center for Human Genetics Tuebingen
Classification: Likely benign. Last evaluated: 2023-02-01. Review status: criteria provided, single submitter. Criteria: CeGaT Center For Human Genetics Tuebingen Variant Classification Criteria Version 2. Collection method: clinical testing. Allele origin: germline. Affected: yes. Observed: 1 variant allele.
Comment: ASB16: BP4, BP7

NM_080863.5(ASB16):c.538T>C (p.Leu180=)

Gene: ASB16 (ankyrin repeat and SOCS box containing 16; plus strand). Cytogenetic location: 17q21.31.
Variant type: single nucleotide variant.
Coding change: c.538T>C on transcript NM_080863.5 (MANE Select); coding-DNA position 538, T replaced by C.
Protein change: p.Leu180=; no amino-acid change (leucine 180 retained).
Molecular consequence: synonymous variant.
Genome position (GRCh38, 1-based): chr17:44,172,282, T>C. VCF-style: chr17-44172282-T-C. GRCh37 (hg19) VCF-style: chr17-42249650-T-C.
Identifiers: ClinVar variation 2647818 (VCV002647818.24), dbSNP rs140204503, ClinGen allele CA8598087.
Genomic context (GRCh38, chr17:44,172,282, plus strand): 5'-CGGCTGCTGCTGACCTTCGGAGCCAAGGCTAATGTGCTGACTGAGGAGGGCACGACTCCT[T>C]TGCACCTCTGCACGATCCCCGAGTCCTTGCAGTAGGTGCCTGGGGGCTGAGACAGTTTGG-3'
Protein context (NP_543139.4, residues 170-190): NVLTEEGTTP[Leu180=]HLCTIPESLQ